The following is an entry in ClinVar:

ClinVar aggregate classification (germline): Uncertain significance. Review status: criteria provided, multiple submitters, no conflicts (2 of 4 stars). 2 submissions from 2 submitters: Uncertain significance (2). Last evaluated 2024-03-12.

Conditions:
Ehlers-Danlos syndrome, spondylodysplastic type, 2 (EDSSPD2). Also called: Ehlers-Danlos syndrome, progeroid type, 2. Identifiers: Orphanet 536467, Orphanet 75496, MedGen C3809210, MONDO:0014139, OMIM 615349.
Spondyloepimetaphyseal dysplasia with joint laxity (SEMDJL). Identifiers: MedGen C0432243, MONDO:0019675.
Inborn genetic diseases. Identifiers: MedGen C0950123, MeSH D030342.

Allele frequency attached by ClinVar (database versions not stated): TOPMed below 0.00001; gnomAD 0.00001.

Submissions (2):

Labcorp Genetics (formerly Invitae), Labcorp
Classification: Uncertain significance for Ehlers-Danlos syndrome, spondylodysplastic type, 2; Spondyloepimetaphyseal dysplasia with joint laxity. Last evaluated: 2024-03-12. Review status: criteria provided, single submitter. Criteria: Invitae Variant Classification Sherloc (09022015). Collection method: clinical testing. Allele origin: germline.
Comment: This sequence change replaces valine, which is neutral and non-polar, with methionine, which is neutral and non-polar, at codon 219 of the B3GALT6 protein (p.Val219Met). This variant is not present in population databases (gnomAD no frequency). This missense change has been observed in individual(s) with clinical features of B3GALT6-related conditions (Invitae). ClinVar contains an entry for this variant (Variation ID: 568476). Advanced modeling of protein sequence and biophysical properties (such as structural, functional, and spatial information, amino acid conservation, physicochemical variation, residue mobility, and thermodynamic stability) performed at Invitae indicates that this missense variant is expected to disrupt B3GALT6 protein function with a positive predictive value of 80%. In summary, the available evidence is currently insufficient to determine the role of this variant in disease. Therefore, it has been classified as a Variant of Uncertain Significance.

Ambry Genetics
Classification: Uncertain significance for Inborn genetic diseases. Last evaluated: 2020-01-14. Review status: criteria provided, single submitter. Criteria: Ambry Variant Classification Scheme 2023. Collection method: clinical testing. Allele origin: germline.
Comment: The alteration results in an amino acid change:_x000D_ _x000D_ The c.655G>A (p.V219M) alteration is located in coding exon 1 of the B3GALT6 gene. This alteration results from a G to A substitution at nucleotide position 655, causing the valine (V) at amino acid position 219 to be replaced by a methionine (M). The alteration is not observed in population databases: _x000D_ _x000D_ Based on data from the Genome Aggregation Database (gnomAD), the B3GALT6 c.655G>A alteration was not observed, with coverage at this position. The altered amino acid is conserved throughout evolution:_x000D_ _x000D_ The V219 amino acid is conserved in available vertebrate species. The alteration is predicted benign by in silico models:_x000D_ _x000D_ The V219M alteration is predicted to be tolerated by in silico analysis. Based on insufficient or conflicting evidence, the clinical significance of this alteration remains unclear.

NM_080605.4(B3GALT6):c.655G>A (p.Val219Met)

Gene: B3GALT6 (beta-1,3-galactosyltransferase 6; plus strand). Cytogenetic location: 1p36.33.
Variant type: single nucleotide variant.
Coding change: c.655G>A on transcript NM_080605.4 (MANE Select); coding-DNA position 655, G replaced by A.
Protein change: p.Val219Met; replaces valine 219 with methionine.
Molecular consequence: missense variant.
Genome position (GRCh38, 1-based): chr1:1,232,933, G>A. VCF-style: chr1-1232933-G-A. GRCh37 (hg19) VCF-style: chr1-1168313-G-A.
Other names: short protein forms V219M.
Identifiers: ClinVar variation 568476 (VCV000568476.9), dbSNP rs1557526653, ClinGen allele CA337828204.